The following is an entry in ClinVar:

NM_001105206.3(LAMA4):c.465C>T (p.Cys155=)

Gene: LAMA4 (laminin subunit alpha 4; minus strand). Cytogenetic location: 6q21.
Variant type: single nucleotide variant.
Coding change: c.465C>T on transcript NM_001105206.3 (MANE Select); coding-DNA position 465, C replaced by T.
Protein change: p.Cys155=; no amino-acid change (cysteine 155 retained).
Molecular consequence: synonymous variant.
Genome position (GRCh38, 1-based): chr6:112,201,646, G>A on the plus strand (C>T on the coding strand, the complement: LAMA4 is on the minus strand). VCF-style: chr6-112201646-G-A. GRCh37 (hg19) VCF-style: chr6-112522847-G-A.
Other names: c.465C>T, p.Cys155= (NM_001105207.3, NM_002290.5).
Identifiers: ClinVar variation 178058 (VCV000178058.8), dbSNP rs150354594, ClinGen allele CA181290.

ClinVar aggregate classification (germline): Likely benign. Review status: criteria provided, multiple submitters, no conflicts (2 of 4 stars). 3 submissions from 3 submitters: Likely benign (3). Last evaluated 2025-12-12.

Conditions:
Cardiovascular phenotype. Identifiers: MedGen CN230736.
Dilated cardiomyopathy 1JJ (CMD1JJ). Identifiers: Orphanet 154, MedGen C3808935, MONDO:0014095, OMIM 615235.

Allele frequency attached by ClinVar (database versions not stated): ExAC 0.00001; ESP Exome Variant Server 0.00008; gnomAD exomes below 0.00001; gnomAD 0.00002; TOPMed 0.00002.

Submissions (3):

Labcorp Genetics (formerly Invitae), Labcorp
Classification: Likely benign for Dilated cardiomyopathy 1JJ. Last evaluated: 2025-12-12. Review status: criteria provided, single submitter. Criteria: Invitae Variant Classification Sherloc (09022015). Collection method: clinical testing. Allele origin: germline.

Ambry Genetics
Classification: Likely benign for Cardiovascular phenotype. Last evaluated: 2021-05-06. Review status: criteria provided, single submitter. Criteria: Ambry Variant Classification Scheme 2023. Collection method: clinical testing. Allele origin: germline.

Laboratory for Molecular Medicine, Mass General Brigham Personalized Medicine
Classification: Likely benign. Last evaluated: 2012-03-19. Review status: criteria provided, single submitter. Criteria: LMM Criteria. Collection method: clinical testing. Allele origin: germline. Observed: 1 variant allele.
Comment: Cys155Cys in exon 5 of LAMA4: This variant is not expected to have clinical sign ificance because it does not alter an amino acid residue, is not located within the splice consensus sequence. It has been identified in 1/3738 African American chromosomes from a broad population by the NHLBI Exome Sequencing Project (dbSNP rs150354594). Cys155Cys in exon 5 of LAMA4: (allele frequency = 1/3738; dbSNP rs150354594) **